The following is an entry in ClinVar:

NM_152296.5(ATP1A3):c.2240C>A (p.Ser747Tyr)

Gene: ATP1A3 (ATPase Na+/K+ transporting subunit alpha 3; minus strand). Cytogenetic location: 19q13.2.
Variant type: single nucleotide variant.
Coding change: c.2240C>A on transcript NM_152296.5 (MANE Select); coding-DNA position 2240, C replaced by A.
Protein change: p.Ser747Tyr; replaces serine 747 with tyrosine.
Molecular consequence: missense variant.
Genome position (GRCh38, 1-based): chr19:41,975,652, G>T on the plus strand (C>A on the coding strand, the complement: ATP1A3 is on the minus strand). VCF-style: chr19-41975652-G-T. GRCh37 (hg19) VCF-style: chr19-42479804-G-T.
Other names: c.2273C>A, p.Ser758Tyr (NM_001256213.2); c.2279C>A, p.Ser760Tyr (NM_001256214.2); short protein forms S747Y, S760Y, S758Y.
Identifiers: ClinVar variation 2707985 (VCV002707985.3), dbSNP rs2514046994, ClinGen allele CA406041669.

ClinVar aggregate classification (germline): Pathogenic (1 of 4 stars; one submission).

Conditions:
Dystonia 12 (DYT12). Also called: DYT-ATP1A3; Rapid-Onset Dystonia-Parkinsonism (RDP). Identifiers: Orphanet 71517, MedGen C1868681, MONDO:0007496, OMIM 128235.

Submission:

Labcorp Genetics (formerly Invitae), Labcorp
Classification: Pathogenic for Dystonia 12. Last evaluated: 2024-08-18. Review status: criteria provided, single submitter. Criteria: Invitae Variant Classification Sherloc (09022015). Collection method: clinical testing. Allele origin: germline.
Comment: This sequence change replaces serine, which is neutral and polar, with tyrosine, which is neutral and polar, at codon 747 of the ATP1A3 protein (p.Ser747Tyr). This variant is not present in population databases (gnomAD no frequency). This missense change has been observed in individual(s) with clinical features of developmental and epileptic encephalopathy (internal data). In at least one individual the variant was observed to be de novo. Invitae Evidence Modeling of protein sequence and biophysical properties (such as structural, functional, and spatial information, amino acid conservation, physicochemical variation, residue mobility, and thermodynamic stability) indicates that this missense variant is expected to disrupt ATP1A3 protein function with a positive predictive value of 95%. For these reasons, this variant has been classified as Pathogenic.